The following is an entry in ClinVar:

ClinVar aggregate classification (germline): Pathogenic (1 of 4 stars; one submission).

Conditions:
Mucopolysaccharidosis, MPS-IV-A (MPS4A). Also called: Mucopolysaccharidosis type IV A; Mucopolysaccharidosis Type IVA; Morquio syndrome A, mild; MORQUIO SYNDROME A; MPS IVA; mucopolysaccharidosis type 4A. Identifiers: Orphanet 309297, Orphanet 582, MedGen C0086651, MONDO:0009659, OMIM 253000.

Submission:

Labcorp Genetics (formerly Invitae), Labcorp
Classification: Pathogenic for Mucopolysaccharidosis, MPS-IV-A. Last evaluated: 2020-06-06. Review status: criteria provided, single submitter. Criteria: Invitae Variant Classification Sherloc (09022015). Collection method: clinical testing. Allele origin: germline.
Comment: This sequence change creates a premature translational stop signal (p.Val427Serfs*14) in the GALNS gene. It is expected to result in an absent or disrupted protein product. This variant is not present in population databases (ExAC no frequency). This variant has not been reported in the literature in individuals with GALNS-related conditions. Loss-of-function variants in GALNS are known to be pathogenic (PMID: 12442278). For these reasons, this variant has been classified as Pathogenic.

Literature cited by the submitters: PubMed 12442278.

NM_000512.5(GALNS):c.1279del (p.Val427fs)

Gene: GALNS (galactosamine (N-acetyl)-6-sulfatase; minus strand). Cytogenetic location: 16q24.3.
Variant type: Deletion.
Coding change: c.1279del on transcript NM_000512.5 (MANE Select); coding-DNA position 1279, one base deleted (G; older notation c.1279delG).
Protein change: p.Val427fs; shifts the reading frame from valine 427.
Molecular consequence: frameshift variant.
Genome position (GRCh38, 1-based): chr16:88,822,674, C deleted on the plus strand (G on the coding strand, the reverse complement: GALNS is on the minus strand); the first of 4 consecutive C bases (chr16:88,822,674-88,822,677); deleting any one gives the same sequence. VCF-style (leftmost placement, unchanged base first): chr16-88822673-AC-A. GRCh37 (hg19) VCF-style: chr16-88889081-AC-A.
Other names: c.724del, p.Val242fs (NM_001323543.2); c.1297del, p.Val433fs (NM_001323544.2); short protein forms V242fs, V427fs, V433fs.
Identifiers: ClinVar variation 1068696 (VCV001068696.7), dbSNP rs2142992372, ClinGen allele CA2499223747.